The following is an entry in ClinVar:

ClinVar aggregate classification (germline): Uncertain significance (1 of 4 stars; one submission).

Conditions:
Autosomal dominant hypocalcemia 1 (HYPOC1). Also called: HYPOCALCEMIA, FAMILIAL. Identifiers: MedGen C3715128, MONDO:0011013, OMIM 601198.
Familial hypocalciuric hypercalcemia (FHH). Also called: Familial benign hypercalcemia. Identifiers: Orphanet 405, MedGen C1809471, MONDO:0018458.

Allele frequency attached by ClinVar (database versions not stated): gnomAD exomes below 0.00001.
gnomAD v4.1: 2 of 1,614,180 alleles (0.00012%); highest among the groups gnomAD compares: Non-Finnish European, 0.00017%; no homozygotes.

Submission:

Labcorp Genetics (formerly Invitae), Labcorp
Classification: Uncertain significance for Familial hypocalciuric hypercalcemia; Autosomal dominant hypocalcemia 1. Last evaluated: 2025-03-07. Review status: criteria provided, single submitter. Criteria: Invitae Variant Classification Sherloc (09022015). Collection method: clinical testing. Allele origin: germline.
Comment: This sequence change replaces glutamine, which is neutral and polar, with lysine, which is basic and polar, at codon 958 of the CASR protein (p.Gln958Lys). This variant is not present in population databases (gnomAD no frequency). This variant has not been reported in the literature in individuals affected with CASR-related conditions. ClinVar contains an entry for this variant (Variation ID: 1043266). An algorithm developed to predict the effect of missense changes on protein structure and function (PolyPhen-2) suggests that this variant is likely to be tolerated. In summary, the available evidence is currently insufficient to determine the role of this variant in disease. Therefore, it has been classified as a Variant of Uncertain Significance.

NM_000388.4(CASR):c.2872C>A (p.Gln958Lys)

Gene: CASR (calcium sensing receptor; plus strand). Cytogenetic location: 3q21.1.
Variant type: single nucleotide variant.
Coding change: c.2872C>A on transcript NM_000388.4 (MANE Select); coding-DNA position 2872, C replaced by A.
Protein change: p.Gln958Lys; replaces glutamine 958 with lysine.
Molecular consequence: missense variant.
Genome position (GRCh38, 1-based): chr3:122,284,826, C>A. VCF-style: chr3-122284826-C-A. GRCh37 (hg19) VCF-style: chr3-122003673-C-A.
Other names: c.2902C>A, p.Gln968Lys (NM_001178065.2); short protein forms Q968K, Q958K.
Identifiers: ClinVar variation 1043266 (VCV001043266.9), dbSNP rs2074947724, ClinGen allele CA354160949.